The following is an entry in ClinVar:

ClinVar aggregate classification (germline): Uncertain significance (1 of 4 stars; one submission).

Conditions:
Hereditary cancer-predisposing syndrome. Also called: Hereditary neoplastic syndrome; Neoplastic Syndromes, Hereditary; Tumor predisposition; Hereditary Cancer Syndrome. Identifiers: Orphanet 140162, MedGen C0027672, MeSH D009386, MONDO:0015356.

Submission:

Ambry Genetics
Classification: Uncertain significance for Hereditary cancer-predisposing syndrome. Last evaluated: 2021-12-11. Review status: criteria provided, single submitter. Criteria: Ambry Variant Classification Scheme 2023. Collection method: clinical testing. Allele origin: germline.
Comment: The p.L2868F variant (also known as c.8602C>T), located in coding exon 58 of the ATM gene, results from a C to T substitution at nucleotide position 8602. The leucine at codon 2868 is replaced by phenylalanine, an amino acid with highly similar properties. This amino acid position is conserved. In addition, this alteration is predicted to be deleterious by in silico analysis. Since supporting evidence is limited at this time, the clinical significance of this alteration remains unclear.

NM_000051.4(ATM):c.8602C>T (p.Leu2868Phe)

Genes: ATM (ATM serine/threonine kinase; plus strand), C11orf65 (chromosome 11 open reading frame 65; minus strand). Cytogenetic location: 11q22.3.
Variant type: single nucleotide variant.
Coding change: c.8602C>T on transcript NM_000051.4 (MANE Select); coding-DNA position 8602, C replaced by T.
Protein change: p.Leu2868Phe; replaces leucine 2868 with phenylalanine.
Molecular consequence: missense variant. On other transcripts: intron variant (2).
Genome position (GRCh38, 1-based): chr11:108,347,296, C>T. VCF-style: chr11-108347296-C-T. GRCh37 (hg19) VCF-style: chr11-108218023-C-T.
Other names: c.695-12004G>A (NM_001351110.2); c.8602C>T, p.Leu2868Phe (NM_001351834.2); c.641-38225G>A (NM_001330368.2); short protein forms L2868F.
Identifiers: ClinVar variation 1764024 (VCV001764024.2), dbSNP rs587780642, ClinGen allele CA382520475.